The following is an entry in ClinVar:

NM_014727.3(KMT2B):c.7069C>T (p.Pro2357Ser)

Gene: KMT2B (lysine methyltransferase 2B; plus strand). Cytogenetic location: 19q13.12.
Variant type: single nucleotide variant.
Coding change: c.7069C>T on transcript NM_014727.3 (MANE Select); coding-DNA position 7069, C replaced by T.
Protein change: p.Pro2357Ser; replaces proline 2357 with serine.
Molecular consequence: missense variant.
Genome position (GRCh38, 1-based): chr19:35,733,782, C>T. VCF-style: chr19-35733782-C-T. GRCh37 (hg19) VCF-style: chr19-36224683-C-T.
Other names: c.7069C>T (NM_014727.1); short protein forms P2357S.
Identifiers: ClinVar variation 2635325 (VCV002635325.3), dbSNP rs1969817568, ClinGen allele CA405431589.

ClinVar aggregate classification (germline): Uncertain significance. Review status: criteria provided, multiple submitters, no conflicts (2 of 4 stars). 3 submissions from 3 submitters: Uncertain significance (3). Last evaluated 2025-08-10.

Conditions:
Inborn genetic diseases. Identifiers: MedGen C0950123, MeSH D030342.
KMT2B-related disorder. Also called: KMT2B-related condition; KMT2B-related disorders. Identifiers: MedGen CN381338.

Allele frequency attached by ClinVar (database versions not stated): gnomAD exomes below 0.00001.
gnomAD v4.1: 1 of 1,613,646 alleles (0.000062%); highest among the groups gnomAD compares: Non-Finnish European, 0.000085%; no homozygotes.

Submissions (3):

Ambry Genetics
Classification: Uncertain significance for Inborn genetic diseases. Last evaluated: 2025-08-10. Review status: criteria provided, single submitter. Criteria: Ambry Variant Classification Scheme 2023. Collection method: clinical testing. Allele origin: germline.

Labcorp Genetics (formerly Invitae), Labcorp
Classification: Uncertain significance. Last evaluated: 2025-02-23. Review status: criteria provided, single submitter. Criteria: Invitae Variant Classification Sherloc (09022015). Collection method: clinical testing. Allele origin: germline.
Comment: This sequence change replaces proline, which is neutral and non-polar, with serine, which is neutral and polar, at codon 2357 of the KMT2B protein (p.Pro2357Ser). This variant is not present in population databases (gnomAD no frequency). This variant has not been reported in the literature in individuals affected with KMT2B-related conditions. ClinVar contains an entry for this variant (Variation ID: 2635325). Invitae Evidence Modeling of protein sequence and biophysical properties (such as structural, functional, and spatial information, amino acid conservation, physicochemical variation, residue mobility, and thermodynamic stability) indicates that this missense variant is not expected to disrupt KMT2B protein function with a negative predictive value of 95%. In summary, the available evidence is currently insufficient to determine the role of this variant in disease. Therefore, it has been classified as a Variant of Uncertain Significance.

PreventionGenetics, part of Exact Sciences
Classification: Uncertain significance for KMT2B-related condition. Last evaluated: 2022-12-06. Review status: criteria provided, single submitter. Criteria: ACMG Guidelines, 2015. Collection method: clinical testing. Allele origin: germline.
Comment: The KMT2B c.7069C>T variant is predicted to result in the amino acid substitution p.Pro2357Ser. To our knowledge, this variant has not been reported in the literature or in a large population database, indicating this variant is rare. At this time, the clinical significance of this variant is uncertain due to the absence of conclusive functional and genetic evidence.